The following is an entry in ClinVar:

NM_001044385.3(TMEM237):c.205A>T (p.Thr69Ser)

Gene: TMEM237 (transmembrane protein 237; minus strand). Cytogenetic location: 2q33.1.
Variant type: single nucleotide variant.
Coding change: c.205A>T on transcript NM_001044385.3 (MANE Select); coding-DNA position 205, A replaced by T.
Protein change: p.Thr69Ser; replaces threonine 69 with serine.
Molecular consequence: missense variant.
Genome position (GRCh38, 1-based): chr2:201,636,817, T>A on the plus strand (A>T on the coding strand, the complement: TMEM237 is on the minus strand). VCF-style: chr2-201636817-T-A. GRCh37 (hg19) VCF-style: chr2-202501540-T-A.
Other names: c.181A>T, p.Thr61Ser (NM_152388.4); c.205A>T (NM_001044385.1); short protein forms T61S, T69S.
Identifiers: ClinVar variation 1424326 (VCV001424326.8), dbSNP rs376226585, ClinGen allele CA2056550.

ClinVar aggregate classification (germline): Uncertain significance. Review status: criteria provided, multiple submitters, no conflicts (2 of 4 stars). 3 submissions from 3 submitters: Uncertain significance (3). Last evaluated 2025-11-08.

Conditions:
Inborn genetic diseases. Identifiers: MedGen C0950123, MeSH D030342.
Joubert syndrome 14 (JBTS14). Identifiers: MedGen C3280766, MONDO:0013745, OMIM 614424.

Allele frequency attached by ClinVar (database versions not stated): ESP Exome Variant Server 0.00008.
gnomAD v4.1: 32 of 1,602,940 alleles (0.002%); highest among the groups gnomAD compares: Middle Eastern, 0.067%; no homozygotes.

Submissions (3):

Ambry Genetics
Classification: Uncertain significance for Inborn genetic diseases. Last evaluated: 2025-11-08. Review status: criteria provided, single submitter. Criteria: Ambry Variant Classification Scheme 2023. Collection method: clinical testing. Allele origin: germline.

Labcorp Genetics (formerly Invitae), Labcorp
Classification: Uncertain significance for Joubert syndrome 14. Last evaluated: 2023-08-17. Review status: criteria provided, single submitter. Criteria: Invitae Variant Classification Sherloc (09022015). Collection method: clinical testing. Allele origin: germline.
Comment: This variant has not been reported in the literature in individuals affected with TMEM237-related conditions. This sequence change replaces threonine, which is neutral and polar, with serine, which is neutral and polar, at codon 69 of the TMEM237 protein (p.Thr69Ser). This variant is present in population databases (rs376226585, gnomAD 0.004%). ClinVar contains an entry for this variant (Variation ID: 1424326). Advanced modeling of protein sequence and biophysical properties (such as structural, functional, and spatial information, amino acid conservation, physicochemical variation, residue mobility, and thermodynamic stability) performed at Invitae indicates that this missense variant is not expected to disrupt TMEM237 protein function. In summary, the available evidence is currently insufficient to determine the role of this variant in disease. Therefore, it has been classified as a Variant of Uncertain Significance.

Breakthrough Genomics
Classification: Uncertain significance. Review status: criteria provided, single submitter. Criteria: ACMG Guidelines, 2015. Collection method: not provided. Allele origin: germline. Inheritance: Autosomal recessive inheritance. Affected: yes.